The following is an entry in ClinVar:

ClinVar aggregate classification (germline): Uncertain significance (1 of 4 stars; one submission).

Allele frequency attached by ClinVar (database versions not stated): gnomAD exomes below 0.00001; ExAC 0.00001.
gnomAD v4.1: 2 of 1,486,250 alleles (0.00013%); highest among the groups gnomAD compares: Non-Finnish European, 0.00018%; no homozygotes.

Submission:

Labcorp Genetics (formerly Invitae), Labcorp
Classification: Uncertain significance. Last evaluated: 2025-10-13. Review status: criteria provided, single submitter. Criteria: Invitae Variant Classification Sherloc (09022015). Collection method: clinical testing. Allele origin: germline.
Comment: This sequence change replaces tyrosine, which is neutral and polar, with histidine, which is basic and polar, at codon 625 of the CEP135 protein (p.Tyr625His). This variant is present in population databases (rs769209493, gnomAD 0.001%). This variant has not been reported in the literature in individuals affected with CEP135-related conditions. ClinVar contains an entry for this variant (Variation ID: 2115802). An algorithm developed to predict the effect of missense changes on protein structure and function (PolyPhen-2) suggests that this variant is likely to be tolerated. In summary, the available evidence is currently insufficient to determine the role of this variant in disease. Therefore, it has been classified as a Variant of Uncertain Significance.

NM_025009.5(CEP135):c.1873T>C (p.Tyr625His)

Gene: CEP135 (centrosomal protein 135; plus strand). Cytogenetic location: 4q12.
Variant type: single nucleotide variant.
Coding change: c.1873T>C on transcript NM_025009.5 (MANE Select); coding-DNA position 1873, T replaced by C.
Protein change: p.Tyr625His; replaces tyrosine 625 with histidine.
Molecular consequence: missense variant.
Genome position (GRCh38, 1-based): chr4:55,991,949, T>C. VCF-style: chr4-55991949-T-C. GRCh37 (hg19) VCF-style: chr4-56858115-T-C.
Other names: short protein forms Y625H.
Identifiers: ClinVar variation 2115802 (VCV002115802.4), dbSNP rs769209493, ClinGen allele CA2928004.